The following is an entry in ClinVar:

ClinVar aggregate classification (germline): Benign (1 of 4 stars; one submission).

Allele frequency attached by ClinVar (database versions not stated): gnomAD 0.53653; 1000 Genomes Project 0.55092; 1000 Genomes Project 30x 0.55887; TOPMed 0.56680.
gnomAD v4.1: 83,136 of 151,638 alleles (55%); highest among the groups gnomAD compares: African/African-American, 63%; 23,188 homozygotes.

Submission:

GeneDx
Classification: Benign. Last evaluated: 2018-06-19. Review status: criteria provided, single submitter. Criteria: GeneDx Variant Classification (06012015). Collection method: clinical testing. Allele origin: germline. Affected: yes.
Comment: This variant is considered likely benign or benign based on one or more of the following criteria: it is a conservative change, it occurs at a poorly conserved position in the protein, it is predicted to be benign by multiple in silico algorithms, and/or has population frequency not consistent with disease.

NM_005908.4(MANBA):c.2415+326G>C

Gene: MANBA (mannosidase beta; minus strand). Cytogenetic location: 4q24.
Variant type: single nucleotide variant.
Coding change: c.2415+326G>C on transcript NM_005908.4 (MANE Select); 326 bases into the intron after coding-DNA position 2415, G replaced by C.
Molecular consequence: intron variant.
Genome position (GRCh38, 1-based): chr4:102,634,462, C>G on the plus strand (G>C on the coding strand, the complement: MANBA is on the minus strand). VCF-style: chr4-102634462-C-G. GRCh37 (hg19) VCF-style: chr4-103555619-C-G.
Identifiers: ClinVar variation 667480 (VCV000667480.1), dbSNP rs6813322, ClinGen allele CA11695950.